The following is an entry in ClinVar:

ClinVar aggregate classification (germline): Pathogenic (1 of 4 stars; one submission).

Conditions:
Developmental and epileptic encephalopathy. Identifiers: MedGen C5779964, MONDO:0100620.

Submission:

Labcorp Genetics (formerly Invitae), Labcorp
Classification: Pathogenic for Early-infantile DEE. Last evaluated: 2020-09-16. Review status: criteria provided, single submitter. Criteria: Invitae Variant Classification Sherloc (09022015). Collection method: clinical testing. Allele origin: germline.
Comment: This variant is a gross deletion of the genomic region encompassing exon(s) 1 of the KCNQ2 gene, which includes the initiator codon. This is expected to result in an absent or disrupted protein product. This variant has been observed in individual(s) with benign familial neonatal seizures (PMID: 23360469). Loss-of-function variants in KCNQ2 are known to be pathogenic (PMID: 14534157, 23692823, 27779742). For these reasons, this variant has been classified as Pathogenic.

Literature cited by the submitters: PubMed 23360469; PubMed 14534157; PubMed 23692823; PubMed 27779742.

NC_000020.10:g.(?_62081939)_62119720del

Gene: KCNQ2 (potassium voltage-gated channel subfamily Q member 2; minus strand).
Variant type: Deletion.
Identifiers: ClinVar variation 1022833 (VCV001022833.4).